The following is an entry in ClinVar:

NM_001378974.1(FBXW11):c.1192G>A (p.Val398Met)

Gene: FBXW11 (F-box and WD repeat domain containing 11; minus strand). Cytogenetic location: 5q35.1.
Variant type: single nucleotide variant.
Coding change: c.1192G>A on transcript NM_001378974.1 (MANE Select); coding-DNA position 1192, G replaced by A.
Protein change: p.Val398Met; replaces valine 398 with methionine.
Molecular consequence: missense variant.
Genome position (GRCh38, 1-based): chr5:171,876,314, C>T on the plus strand (G>A on the coding strand, the complement: FBXW11 is on the minus strand). VCF-style: chr5-171876314-C-T. GRCh37 (hg19) VCF-style: chr5-171303318-C-T.
Other names: c.1123G>A, p.Val375Met (NM_001378975.1); c.1096G>A, p.Val366Met (NM_001378976.1); c.1033G>A, p.Val345Met (NM_001378977.1, NM_001378978.1, NM_001378979.1); c.1027G>A, p.Val343Met (NM_001378980.1, NM_033645.3); c.1129G>A, p.Val377Met (NM_012300.3); c.1090G>A, p.Val364Met (NM_033644.3); short protein forms V343M, V345M, V364M, V366M, V375M, V377M, V398M.
Identifiers: ClinVar variation 3366004 (VCV003366004.1).

ClinVar aggregate classification (germline): Uncertain significance (1 of 4 stars; one submission).

gnomAD v4.1: 5 of 1,614,220 alleles (0.00031%); highest among the groups gnomAD compares: South Asian, 0.0011%; no homozygotes.

Submission:

GeneDx
Classification: Uncertain significance. Last evaluated: 2023-10-10. Review status: criteria provided, single submitter. Criteria: GeneDx Variant Classification Process June 2021. Collection method: clinical testing. Allele origin: germline. Affected: yes.
Comment: Not observed at significant frequency in large population cohorts (gnomAD); In silico analysis supports that this missense variant has a deleterious effect on protein structure/function; Has not been previously published as pathogenic or benign to our knowledge